The following is an entry in ClinVar:

ClinVar aggregate classification (germline): Uncertain significance (1 of 4 stars; one submission).

Submission:

Labcorp Genetics (formerly Invitae), Labcorp
Classification: Uncertain significance. Last evaluated: 2022-03-22. Review status: criteria provided, single submitter. Criteria: Invitae Variant Classification Sherloc (09022015). Collection method: clinical testing. Allele origin: germline.
Comment: In summary, the available evidence is currently insufficient to determine the role of this variant in disease. Therefore, it has been classified as a Variant of Uncertain Significance. Algorithms developed to predict the effect of missense changes on protein structure and function (SIFT, PolyPhen-2, Align-GVGD) all suggest that this variant is likely to be tolerated. This variant has not been reported in the literature in individuals affected with EXTL3-related conditions. This variant is not present in population databases (gnomAD no frequency). This sequence change replaces methionine, which is neutral and non-polar, with threonine, which is neutral and polar, at codon 146 of the EXTL3 protein (p.Met146Thr).

NM_001440.4(EXTL3):c.437T>C (p.Met146Thr)

Gene: EXTL3 (exostosin like glycosyltransferase 3; plus strand). Cytogenetic location: 8p21.1.
Variant type: single nucleotide variant.
Coding change: c.437T>C on transcript NM_001440.4 (MANE Select); coding-DNA position 437, T replaced by C.
Protein change: p.Met146Thr; replaces methionine 146 with threonine.
Molecular consequence: missense variant.
Genome position (GRCh38, 1-based): chr8:28,716,496, T>C. VCF-style: chr8-28716496-T-C. GRCh37 (hg19) VCF-style: chr8-28574013-T-C.
Other names: short protein forms M146T.
Identifiers: ClinVar variation 2115733 (VCV002115733.4), dbSNP rs760497265, ClinGen allele CA370856294.